The following is an entry in ClinVar:

ClinVar aggregate classification (germline): Likely pathogenic (1 of 4 stars; one submission).

Conditions:
Renal tubular acidosis with progressive nerve deafness. Also called: RENAL TUBULAR ACIDOSIS, AUTOSOMAL RECESSIVE, WITH PROGRESSIVE NERVE DEAFNESS; RTA WITH PROGRESSIVE NERVE DEAFNESS; renal tubular acidosis, distal, 2, with progressive sensorineural hearing loss; Distal Renal Tubular Acidosis with Progressive Sensorineural Deafness. Identifiers: MedGen C0403554, MONDO:0009968, OMIM 267300.

Submission:

Women's Health and Genetics/Laboratory Corporation of America, LabCorp
Classification: Likely pathogenic for Renal tubular acidosis with progressive nerve deafness. Last evaluated: 2023-03-23. Review status: criteria provided, single submitter. Criteria: LabCorp Variant Classification Summary - May 2015. Collection method: clinical testing. Allele origin: germline.
Comment: Variant summary: ATP6V1B1 c.285delG (p.Thr96HisfsX68) results in a premature termination codon, predicted to cause a truncation of the encoded protein or absence of the protein due to nonsense mediated decay, which are commonly known mechanisms for disease. Truncations downstream of this position have been classified as pathogenic in ClinVar. The variant was absent in 251466 control chromosomes (gnomAD). To our knowledge, no occurrence of c.285delG in individuals affected with Renal Tubular Acidosis With Progressive Nerve Deafness and no experimental evidence demonstrating its impact on protein function have been reported. No clinical diagnostic laboratories have submitted clinical-significance assessments for this variant to ClinVar after 2014. Based on the evidence outlined above, the variant was classified as likely pathogenic.

NM_001692.4(ATP6V1B1):c.285del (p.Thr96fs)

Gene: ATP6V1B1 (ATPase H+ transporting V1 subunit B1; plus strand). Cytogenetic location: 2p13.3.
Variant type: Deletion.
Coding change: c.285del on transcript NM_001692.4 (MANE Select); coding-DNA position 285, one base deleted (G; older notation c.285delG).
Protein change: p.Thr96fs; shifts the reading frame from threonine 96.
Molecular consequence: frameshift variant.
Genome position (GRCh38, 1-based): chr2:70,958,344, G deleted; the last of 3 consecutive G bases (chr2:70,958,342-70,958,344); deleting any one gives the same sequence. VCF-style (leftmost placement, unchanged base first): chr2-70958341-AG-A. GRCh37 (hg19) VCF-style: chr2-71185471-AG-A.
Other names: short protein forms T96fs.
Identifiers: ClinVar variation 2501125 (VCV002501125.1), dbSNP rs2466284785, ClinGen allele CA2580611648.
Genomic context (GRCh38, chr2:70,958,341, plus strand): 5'-CCATTCCCTCCAGCAGGCCCCTTAGTGGAGAAACTCCCTCTTGTTCCCACAGGTGTTTGA[AG>A]GGACATCAGGGATCGATGCCAGGAAGACCACTTGCGAATTTACAGGGGACATCCTACGAA-3'